The following is an entry in ClinVar:

NM_182643.3(DLC1):c.857A>G (p.Asn286Ser)

Gene: DLC1 (DLC1 Rho GTPase activating protein; minus strand). Cytogenetic location: 8p22.
Variant type: single nucleotide variant.
Coding change: c.857A>G on transcript NM_182643.3 (MANE Select); coding-DNA position 857, A replaced by G.
Protein change: p.Asn286Ser; replaces asparagine 286 with serine.
Molecular consequence: missense variant. On other transcripts: 5 prime UTR variant (1).
Genome position (GRCh38, 1-based): chr8:13,499,215, T>C on the plus strand (A>G on the coding strand, the complement: DLC1 is on the minus strand). VCF-style: chr8-13499215-T-C. GRCh37 (hg19) VCF-style: chr8-13356724-T-C.
Other names: c.857A>G, p.Asn286Ser (NM_001348081.2, NM_024767.5); c.-595A>G (NM_001348082.2); short protein forms N286S.
Identifiers: ClinVar variation 432679 (VCV000432679.10), dbSNP rs374190119, ClinGen allele CA4639380.

ClinVar aggregate classification (germline): Conflicting classifications of pathogenicity. Review status: criteria provided, conflicting classifications (1 of 4 stars). 5 submissions from 5 submitters: Uncertain significance (4); Likely benign (1). Last evaluated 2025-10-01.

Conditions:
Colorectal cancer. Also called: Malignant Colorectal Neoplasm; Colorectal cancer, somatic. Identifiers: MedGen C0346629, MONDO:0005575, OMIM 114500.

Allele frequency attached by ClinVar (database versions not stated): ExAC 0.00002; gnomAD exomes 0.00002 and 0.00003; gnomAD 0.00005 and 0.00007; TOPMed 0.00005; 1000 Genomes Project 30x 0.00031; 1000 Genomes Project 0.00040.
gnomAD v4.1: 42 of 1,614,164 alleles (0.0026%); highest among the groups gnomAD compares: East Asian, 0.016%; no homozygotes.

Submissions (5):

Ambry Genetics
Classification: Likely benign. Last evaluated: 2025-10-01. Review status: criteria provided, single submitter. Criteria: Ambry Variant Classification Scheme 2023. Collection method: clinical testing. Allele origin: germline.

Labcorp Genetics (formerly Invitae), Labcorp
Classification: Uncertain significance. Last evaluated: 2025-04-24. Review status: criteria provided, single submitter. Criteria: Invitae Variant Classification Sherloc (09022015). Collection method: clinical testing. Allele origin: germline.
Comment: This sequence change replaces asparagine, which is neutral and polar, with serine, which is neutral and polar, at codon 286 of the DLC1 protein (p.Asn286Ser). This variant is present in population databases (rs374190119, gnomAD 0.02%). This variant has not been reported in the literature in individuals affected with DLC1-related conditions. ClinVar contains an entry for this variant (Variation ID: 432679). An algorithm developed to predict the effect of missense changes on protein structure and function outputs the following: PolyPhen-2: "Benign". The serine amino acid residue is found in multiple mammalian species, which suggests that this missense change does not adversely affect protein function. In summary, the available evidence is currently insufficient to determine the role of this variant in disease. Therefore, it has been classified as a Variant of Uncertain Significance.

Fulgent Genetics
Classification: Uncertain significance for Colorectal cancer. Last evaluated: 2022-03-03. Review status: criteria provided, single submitter. Criteria: ACMG Guidelines, 2015. Collection method: clinical testing. Allele origin: unknown.

GeneDx
Classification: Uncertain significance. Last evaluated: 2019-05-07. Review status: criteria provided, single submitter. Criteria: GeneDx Variant Classification Process June 2021. Collection method: clinical testing. Allele origin: germline. Affected: yes.
Comment: Has not been previously published as pathogenic or benign to our knowledge; In silico analysis, which includes splice predictors and evolutionary conservation, suggests this variant may impact gene splicing. In the absence of RNA/functional studies, the actual effect of this sequence change is unknown.

Breakthrough Genomics
Classification: Uncertain significance. Review status: criteria provided, single submitter. Criteria: ACMG Guidelines, 2015. Collection method: not provided. Allele origin: germline. Inheritance: Autosomal recessive inheritance. Affected: yes.